The following is an entry in ClinVar:

NM_006231.4(POLE):c.5837C>A (p.Ala1946Glu)

Gene: POLE (DNA polymerase epsilon, catalytic subunit; minus strand). Cytogenetic location: 12q24.33.
Variant type: single nucleotide variant.
Coding change: c.5837C>A on transcript NM_006231.4 (MANE Select); coding-DNA position 5837, C replaced by A.
Protein change: p.Ala1946Glu; replaces alanine 1946 with glutamic acid.
Molecular consequence: missense variant.
Genome position (GRCh38, 1-based): chr12:132,634,353, G>T on the plus strand (C>A on the coding strand, the complement: POLE is on the minus strand). VCF-style: chr12-132634353-G-T. GRCh37 (hg19) VCF-style: chr12-133210939-G-T.
Other names: short protein forms A1946E.
Identifiers: ClinVar variation 946633 (VCV000946633.9), dbSNP rs2041994448, ClinGen allele CA387371840.
Genomic context (GRCh38, chr12:132,634,353, plus strand): 5'-TCTTCCTCCTCCTCCCCATCTCTTTCCTCCTCATCGTCCTCATTTTCCTGCTCATCCTCT[G>T]CTCCCCCTGCTTTCTGGGAGTCTTGCTGTAACACATGAGACAACGCGGCTGTGTTTGCAC-3'
Protein context (NP_006222.2, residues 1936-1956): GLQDSQKAGG[Ala1946Glu]EDEQENEDDE

ClinVar aggregate classification (germline): Uncertain significance (1 of 4 stars; one submission).

Submission:

Labcorp Genetics (formerly Invitae), Labcorp
Classification: Uncertain significance. Last evaluated: 2019-06-07. Review status: criteria provided, single submitter. Criteria: Invitae Variant Classification Sherloc (09022015). Collection method: clinical testing. Allele origin: germline.
Comment: In summary, the available evidence is currently insufficient to determine the role of this variant in disease. Therefore, it has been classified as a Variant of Uncertain Significance. Algorithms developed to predict the effect of missense changes on protein structure and function output the following: SIFT: "Tolerated"; PolyPhen-2: "Benign"; Align-GVGD: "Class C0". The glutamic acid amino acid residue is found in multiple mammalian species, suggesting that this missense change does not adversely affect protein function. These predictions have not been confirmed by published functional studies and their clinical significance is uncertain. This variant has not been reported in the literature in individuals with POLE-related conditions. This variant is not present in population databases (ExAC no frequency). This sequence change replaces alanine with glutamic acid at codon 1946 of the POLE protein (p.Ala1946Glu). The alanine residue is weakly conserved and there is a moderate physicochemical difference between alanine and glutamic acid.